The following is an entry in ClinVar:

ClinVar aggregate classification (germline): Uncertain significance. Review status: criteria provided, multiple submitters, no conflicts (2 of 4 stars). 2 submissions from 2 submitters: Uncertain significance (2). Last evaluated 2025-08-24.

Conditions:
Inborn genetic diseases. Identifiers: MedGen C0950123, MeSH D030342.
Fanconi anemia (FA). Also called: Fanconi's anemia. Identifiers: Orphanet 84, MedGen C0015625, MeSH D005199, MONDO:0019391.

Submissions (2):

Ambry Genetics
Classification: Uncertain significance for Inborn genetic diseases. Last evaluated: 2025-08-24. Review status: criteria provided, single submitter. Criteria: Ambry Variant Classification Scheme 2023. Collection method: clinical testing. Allele origin: germline.

Labcorp Genetics (formerly Invitae), Labcorp
Classification: Uncertain significance for Fanconi anemia. Last evaluated: 2023-10-18. Review status: criteria provided, single submitter. Criteria: Invitae Variant Classification Sherloc (09022015). Collection method: clinical testing. Allele origin: germline.
Comment: This sequence change replaces threonine, which is neutral and polar, with alanine, which is neutral and non-polar, at codon 1072 of the SLX4 protein (p.Thr1072Ala). This variant is present in population databases (no rsID available, gnomAD 0.003%). This variant has not been reported in the literature in individuals affected with SLX4-related conditions. ClinVar contains an entry for this variant (Variation ID: 2152853). An algorithm developed to predict the effect of missense changes on protein structure and function (PolyPhen-2) suggests that this variant is likely to be tolerated. In summary, the available evidence is currently insufficient to determine the role of this variant in disease. Therefore, it has been classified as a Variant of Uncertain Significance.

NM_032444.4(SLX4):c.3214A>G (p.Thr1072Ala)

Gene: SLX4 (SLX4 structure-specific endonuclease subunit; minus strand). Cytogenetic location: 16p13.3.
Variant type: single nucleotide variant.
Coding change: c.3214A>G on transcript NM_032444.4 (MANE Select); coding-DNA position 3214, A replaced by G.
Protein change: p.Thr1072Ala; replaces threonine 1072 with alanine.
Molecular consequence: missense variant.
Genome position (GRCh38, 1-based): chr16:3,590,424, T>C on the plus strand (A>G on the coding strand, the complement: SLX4 is on the minus strand). VCF-style: chr16-3590424-T-C. GRCh37 (hg19) VCF-style: chr16-3640425-T-C.
Other names: short protein forms T1072A.
Identifiers: ClinVar variation 2152853 (VCV002152853.5), dbSNP rs1187558674, ClinGen allele CA394521439.